The following is an entry in ClinVar:

NM_020937.4(FANCM):c.4403G>A (p.Ser1468Asn)

Gene: FANCM (FA complementation group M; plus strand). Cytogenetic location: 14q21.2.
Variant type: single nucleotide variant.
Coding change: c.4403G>A on transcript NM_020937.4 (MANE Select); coding-DNA position 4403, G replaced by A.
Protein change: p.Ser1468Asn; replaces serine 1468 with asparagine.
Molecular consequence: missense variant.
Genome position (GRCh38, 1-based): chr14:45,183,790, G>A. VCF-style: chr14-45183790-G-A. GRCh37 (hg19) VCF-style: chr14-45652993-G-A.
Other names: c.4325G>A, p.Ser1442Asn (NM_001308133.2); short protein forms S1442N, S1468N.
Identifiers: ClinVar variation 3774467 (VCV003774467.1).
Genomic context (GRCh38, chr14:45,183,790, plus strand): 5'-AAAATATTTTTTTCTTATGCAAGAATTTTGTCGAATTATTATAGTCAGAATTATCATCTA[G>A]TGATGAGAGTGAGAATTTTCCCAAACCATGTTCACAATTAGAAGACTTCAAGGTTTGTAA-3'
Protein context (NP_065988.1, residues 1458-1478): FPINRSELSS[Ser1468Asn]DESENFPKPC

ClinVar aggregate classification (germline): Uncertain significance (1 of 4 stars; one submission).

Conditions:
Hereditary cancer-predisposing syndrome. Also called: Tumor predisposition; Hereditary Cancer Syndrome; Neoplastic Syndromes, Hereditary; Hereditary neoplastic syndrome. Identifiers: Orphanet 140162, MedGen C0027672, MeSH D009386, MONDO:0015356.

gnomAD v4.1: 2 of 1,605,788 alleles (0.00012%); highest among the groups gnomAD compares: Non-Finnish European, 0.00017%; no homozygotes.

Submission:

Molecular Diagnostics Laboratory, Catalan Institute of Oncology
Classification: Uncertain significance for Hereditary cancer-predisposing syndrome. Last evaluated: 2024-09-16. Review status: criteria provided, single submitter. Criteria: ACMG Guidelines, 2015. Collection method: clinical testing. Allele origin: germline.
Comment: PM2_Supporting, BP4_Moderate c.4403G>A located in exon 17 of the FANCM gene, is predicted to result in the substitution of serine by asparagine at codon 1468, p.(Ser1468Asn). It is not present in the population database gnomAD v2.1.1, non-cancer dataset (PM2_supporting). The SpliceAI algorithm predicts no significant impact on splicing. The REVEL meta-predictor score for this variant (0.123) suggests that it does not affect the protein function according Pejaver 2022 thresholds (PMID: 36413997) (BP4_moderate). This variant has been reported in LOVD (unclassified), and has not been reported in ClinVar. To our knowledge, neither relevant clinical data nor well-established functional studies have been reported for this variant. Based on currently available information, the variant c.4403G>A should be considered an uncertain significance variant.